The following is an entry in ClinVar:

ClinVar aggregate classification (germline): Uncertain significance (1 of 4 stars; one submission).

gnomAD v4.1: 6 of 1,614,082 alleles (0.00037%); highest among the groups gnomAD compares: East Asian, 0.013%; no homozygotes.

Submission:

Labcorp Genetics (formerly Invitae), Labcorp
Classification: Uncertain significance. Last evaluated: 2025-05-13. Review status: criteria provided, single submitter. Criteria: Invitae Variant Classification Sherloc (09022015). Collection method: clinical testing. Allele origin: germline.
Comment: This sequence change affects codon 513 of the CFI mRNA. It is a 'silent' change, meaning that it does not change the encoded amino acid sequence of the CFI protein. This variant is present in population databases (rs757628055, gnomAD 0.02%). This variant has not been reported in the literature in individuals affected with CFI-related conditions. Algorithms developed to predict the effect of sequence changes on RNA splicing suggest that this variant may disrupt the consensus splice site. In summary, the available evidence is currently insufficient to determine the role of this variant in disease. Therefore, it has been classified as a Variant of Uncertain Significance.

NM_000204.5(CFI):c.1539A>G (p.Thr513=)

Gene: CFI (complement factor I; minus strand). Cytogenetic location: 4q25.
Variant type: single nucleotide variant.
Coding change: c.1539A>G on transcript NM_000204.5 (MANE Select); coding-DNA position 1539, A replaced by G.
Protein change: p.Thr513=; no amino-acid change (threonine 513 retained).
Molecular consequence: synonymous variant. On other transcripts: 3 prime UTR variant (2), non-coding transcript variant (3), intron variant (7).
Genome position (GRCh38, 1-based): chr4:109,741,106, T>C on the plus strand (A>G on the coding strand, the complement: CFI is on the minus strand). VCF-style: chr4-109741106-T-C. GRCh37 (hg19) VCF-style: chr4-110662262-T-C.
Other names: c.1563A>G, p.Thr521= (NM_001318057.2); c.1518A>G, p.Thr506= (NM_001331035.2); c.1482A>G, p.Thr494= (NM_001375283.1); c.930A>G, p.Thr310= (NM_001375284.1); c.1560A>G, p.Thr520= (NM_001440986.1); c.*239A>G (NM_001440989.1, NM_001440991.1); c.1513+1385A>G (NM_001375282.1, NM_001375280.1); c.1534+1385A>G (NM_001375281.1, NM_001375279.1); and 2 more.
Identifiers: ClinVar variation 4779624 (VCV004779624.1).
Genomic context (GRCh38, chr4:109,741,106, plus strand): 5'-ATCCATACAGACTAAGGGGCCTCCAGAGTCCCCTTTACAGGCATCGATGGAACCATCATA[T>C]GTACCTAAGAAAGAAATGTGAAAGAGAAAATCACACATTTCCTTCCATTTTTCAAGGCTG-3'
Protein context (NP_000195.3, residues 503-523): FYEKEMECAG[Thr513=]YDGSIDACKG